The following is an entry in ClinVar:

NM_007194.4(CHEK2):c.1040A>T (p.Asp347Val)

Gene: CHEK2 (checkpoint kinase 2; minus strand). Cytogenetic location: 22q12.1.
Variant type: single nucleotide variant.
Coding change: c.1040A>T on transcript NM_007194.4 (MANE Select); coding-DNA position 1040, A replaced by T.
Protein change: p.Asp347Val; replaces aspartic acid 347 with valine.
Molecular consequence: missense variant. On other transcripts: intron variant (3).
Genome position (GRCh38, 1-based): chr22:28,696,956, T>A on the plus strand (A>T on the coding strand, the complement: CHEK2 is on the minus strand). VCF-style: chr22-28696956-T-A. GRCh37 (hg19) VCF-style: chr22-29092944-T-A.
Other names: c.1169A>T, p.Asp390Val (NM_001005735.3); c.377A>T, p.Asp126Val (NM_001257387.3, NM_001437942.1); c.839A>T, p.Asp280Val (NM_001349956.3); c.1133A>T, p.Asp378Val (NM_001438293.1); c.1009-1083A>T (NM_145862.3); c.1102-1083A>T (NM_001438295.1); c.1138-1083A>T (NM_001438294.1); short protein forms D347V, D390V, D126V, D280V, D378V.
Identifiers: ClinVar variation 186077 (VCV000186077.3), dbSNP rs786202676, ClinGen allele CA193800.

ClinVar aggregate classification (germline): Uncertain significance (1 of 4 stars; one submission).

Conditions:
Hereditary cancer-predisposing syndrome. Also called: Hereditary neoplastic syndrome; Neoplastic Syndromes, Hereditary; Tumor predisposition; Hereditary Cancer Syndrome. Identifiers: Orphanet 140162, MedGen C0027672, MeSH D009386, MONDO:0015356.

Submission:

Ambry Genetics
Classification: Uncertain significance for Hereditary cancer-predisposing syndrome. Last evaluated: 2014-08-26. Review status: criteria provided, single submitter. Criteria: Ambry Autosomal Dominant and X-Linked criteria (10/2015). Collection method: clinical testing. Allele origin: germline. Observed: 1 variant allele.
Comment: Ã¢â‚¬â€¹<span style="background-color: initial;">The<strong style="background-color: initial;">p.D347V<span style="background-color: initial;"> variant (also known as c.1040A>T), located in coding exon 9 of the<em style="background-color: initial;">CHEK2<span style="background-color: initial;"> gene, results from an A to T substitution at nucleotide position 1040. The aspartic acid at codon 347 is replaced by valine, an amino acid with highly dissimilar properties. This variant was not reported in population based cohorts in the following databases: Database of Single Nucleotide Polymorphisms (dbSNP), NHLBI Exome Sequencing Project (ESP), and 1000 Genomes Project. In the ESP, this variant was not observed in 6503 samples (13006 alleles) with coverage at this position. To date, this alteration has been detected with an allele frequency of approximately 0.004% (greater than 26000 alleles tested) in our clinical cohort. This amino acid position is highly conserved in available vertebrate species. In addition, this alteration is predicted to be probably damaging and deleterious by PolyPhen and SIFT<em style="background-color: initial;">in silico<span style="background-color: initial;"> analyses, respectively. Since supporting evidence is limited at this time, the clinical significance of p.D347V remains unclear.